The following is an entry in ClinVar:

NM_013266.4(CTNNA3):c.944C>A (p.Ala315Glu)

Gene: CTNNA3 (catenin alpha 3; minus strand). Cytogenetic location: 10q21.3.
Variant type: single nucleotide variant.
Coding change: c.944C>A on transcript NM_013266.4 (MANE Select); coding-DNA position 944, C replaced by A.
Protein change: p.Ala315Glu; replaces alanine 315 with glutamic acid.
Molecular consequence: missense variant.
Genome position (GRCh38, 1-based): chr10:67,180,420, G>T on the plus strand (C>A on the coding strand, the complement: CTNNA3 is on the minus strand). VCF-style: chr10-67180420-G-T. GRCh37 (hg19) VCF-style: chr10-68940178-G-T.
Other names: c.944C>A, p.Ala315Glu (NM_001127384.3); c.980C>A, p.Ala327Glu (NM_001291133.2); short protein forms A315E, A327E.
Identifiers: ClinVar variation 3711270 (VCV003711270.2).

ClinVar aggregate classification (germline): Uncertain significance (1 of 4 stars; one submission).

Conditions:
Arrhythmogenic right ventricular dysplasia 13. Also called: ARRHYTHMOGENIC RIGHT VENTRICULAR CARDIOMYOPATHY 13; Arrhythmogenic right ventricular dysplasia, familial, 13. Identifiers: MedGen C3810138, MONDO:0000908, OMIM 615616.

Submission:

Labcorp Genetics (formerly Invitae), Labcorp
Classification: Uncertain significance for Arrhythmogenic right ventricular dysplasia 13. Last evaluated: 2025-01-29. Review status: criteria provided, single submitter. Criteria: Invitae Variant Classification Sherloc (09022015). Collection method: clinical testing. Allele origin: germline.
Comment: This sequence change replaces alanine, which is neutral and non-polar, with glutamic acid, which is acidic and polar, at codon 315 of the CTNNA3 protein (p.Ala315Glu). This variant is not present in population databases (gnomAD no frequency). This variant has not been reported in the literature in individuals affected with CTNNA3-related conditions. Invitae Evidence Modeling of protein sequence and biophysical properties (such as structural, functional, and spatial information, amino acid conservation, physicochemical variation, residue mobility, and thermodynamic stability) indicates that this missense variant is expected to disrupt CTNNA3 protein function with a positive predictive value of 80%. In summary, the available evidence is currently insufficient to determine the role of this variant in disease. Therefore, it has been classified as a Variant of Uncertain Significance.